The following is an entry in ClinVar:

NM_001382241.1(TNPO2):c.1230C>A (p.Val410=)

Gene: TNPO2 (transportin 2; minus strand). Cytogenetic location: 19p13.13.
Variant type: single nucleotide variant.
Coding change: c.1230C>A on transcript NM_001382241.1 (MANE Select); coding-DNA position 1230, C replaced by A.
Protein change: p.Val410=; no amino-acid change (valine 410 retained).
Molecular consequence: synonymous variant. On other transcripts: non-coding transcript variant (6).
Genome position (GRCh38, 1-based): chr19:12,710,661, G>T on the plus strand (C>A on the coding strand, the complement: TNPO2 is on the minus strand). VCF-style: chr19-12710661-G-T. GRCh37 (hg19) VCF-style: chr19-12821475-G-T.
Other names: c.1230C>A, p.Val410= (NM_001136195.2, NM_001136196.2, NM_001382236.1 and 7 more transcripts).
Identifiers: ClinVar variation 3770617 (VCV003770617.14).

ClinVar aggregate classification (germline): Likely benign. Review status: criteria provided, multiple submitters, no conflicts (2 of 4 stars). 2 submissions from 2 submitters: Likely benign (2). Last evaluated 2025-02-01.

gnomAD v4.1: 344 of 1,613,500 alleles (0.021%); highest among the groups gnomAD compares: Non-Finnish European, 0.028%; no homozygotes.

Submissions (2):

CeGaT Center for Human Genetics Tuebingen
Classification: Likely benign. Last evaluated: 2025-02-01. Review status: criteria provided, single submitter. Criteria: CeGaT Center For Human Genetics Tuebingen Variant Classification Criteria Version 2. Collection method: clinical testing. Allele origin: germline. Affected: yes. Observed: 1 variant allele.
Comment: TNPO2: BP4

Blueprint Genetics
Classification: Likely benign. Last evaluated: 2024-11-22. Review status: criteria provided, single submitter. Criteria: ACMG Guidelines, 2015. Collection method: clinical testing. Allele origin: germline.